The following is an entry in ClinVar:

NM_002003.5(FCN1):c.226G>A (p.Gly76Ser)

Gene: FCN1 (ficolin 1; minus strand). Cytogenetic location: 9q34.3.
Variant type: single nucleotide variant.
Coding change: c.226G>A on transcript NM_002003.5 (MANE Select); coding-DNA position 226, G replaced by A.
Protein change: p.Gly76Ser; replaces glycine 76 with serine.
Molecular consequence: missense variant.
Genome position (GRCh38, 1-based): chr9:134,914,801, C>T on the plus strand (G>A on the coding strand, the complement: FCN1 is on the minus strand). VCF-style: chr9-134914801-C-T. GRCh37 (hg19) VCF-style: chr9-137806647-C-T.
Other names: short protein forms G76S.
Identifiers: ClinVar variation 2631895 (VCV002631895.1), dbSNP rs150223979, ClinGen allele CA5321829.
Genomic context (GRCh38, chr9:134,914,801, plus strand): 5'-CTGTCCCCTGGTTACCTTTGGGCCCCACTGGTCCTGCCTTTCCAGGGGCTCCAGGGAGAC[C>T]GCGTTCTCCTGAAAATTCCAAAGACATATCACTGAGAAAAATGCAACCTAAACAATTCTC-3'
Protein context (NP_001994.2, residues 66-86): AGVIGERGER[Gly76Ser]LPGAPGKAGP

ClinVar aggregate classification (germline): Uncertain significance (1 of 4 stars; one submission).

Conditions:
FCN1-related disorder. Also called: FCN1-related condition.

Allele frequency attached by ClinVar (database versions not stated): gnomAD 0.00004; TOPMed 0.00004; ExAC 0.00005; ESP Exome Variant Server 0.00008.

Submission:

PreventionGenetics, part of Exact Sciences
Classification: Uncertain significance for FCN1-related condition. Last evaluated: 2022-12-20. Review status: criteria provided, single submitter. Criteria: ACMG Guidelines, 2015. Collection method: clinical testing. Allele origin: germline.
Comment: The FCN1 c.226G>A variant is predicted to result in the amino acid substitution p.Gly76Ser. To our knowledge, this variant has not been reported in the literature. This variant is reported in 0.0078% of alleles in individuals of European (Non-Finnish) descent in gnomAD. At this time, the clinical significance of this variant is uncertain due to the absence of conclusive functional and genetic evidence.